The following is an entry in ClinVar:

ClinVar aggregate classification (germline): Uncertain significance (1 of 4 stars; one submission).

Conditions:
TTN-related disorder. Also called: TTN-related disorders; TTN-related condition; TTN-related disease.

Submission:

PreventionGenetics, part of Exact Sciences
Classification: Uncertain significance for TTN-related condition. Last evaluated: 2025-12-01. Review status: criteria provided, single submitter. Criteria: ACMG Guidelines, 2015. Collection method: clinical testing. Allele origin: germline.
Comment: The TTN c.37175A>G variant is predicted to result in the amino acid substitution p.Lys12392Arg. To our knowledge, this variant has not been reported in the literature. This variant is reported in 0.073% of alleles in individuals of African descent in gnomAD. Although we suspect that this variant may be benign, at this time, the clinical significance of this variant is uncertain due to the absence of conclusive functional and genetic evidence.

NM_001267550.2(TTN):c.37175A>G (p.Lys12392Arg)

Gene: TTN (titin; minus strand). Cytogenetic location: 2q31.2.
Variant type: single nucleotide variant.
Coding change: c.37175A>G on transcript NM_001267550.2 (MANE Select); coding-DNA position 37175, A replaced by G.
Protein change: p.Lys12392Arg; replaces lysine 12392 with arginine.
Molecular consequence: missense variant. On other transcripts: intron variant (5).
Genome position (GRCh38, 1-based): chr2:178,661,974, T>C on the plus strand (A>G on the coding strand, the complement: TTN is on the minus strand). VCF-style: chr2-178661974-T-C. GRCh37 (hg19) VCF-style: chr2-179526701-T-C.
Other names: c.13283-19657A>G (NM_003319.4); c.13859-19657A>G (NM_133437.4); c.13658-19657A>G (NM_133432.3); c.31573+992A>G (NM_133378.4); c.34354+992A>G (NM_001256850.1); short protein forms K12392R.
Identifiers: ClinVar variation 4984287 (VCV004984287.1).
Genomic context (GRCh38, chr2:178,661,974, plus strand): 5'-GATCTTCTGAAGCTTAAGGTCAAATGACAAGTACCTGTAACAGGTGGAACTTCTGGCTTT[T>C]TAGGAAGCACCAGTGTTTTCTTTTCTGGCACAATTTCTTGTGGGACTTCAGGCACTTGAA-3'
Protein context (NP_001254479.2, residues 12382-12402): VPEKKTLVLP[Lys12392Arg]KPEVPPVTVP